The following is an entry in ClinVar:

ClinVar aggregate classification (germline): Pathogenic/Likely pathogenic. Review status: criteria provided, multiple submitters, no conflicts (2 of 4 stars). 5 submissions from 5 submitters: Pathogenic (3); Likely pathogenic (2). Last evaluated 2025-09-28.

Conditions:
Histiocytic medullary reticulosis. Also called: SEVERE COMBINED IMMUNODEFICIENCY WITH HYPEREOSINOPHILIA; Omenn syndrome. Identifiers: Orphanet 39041, MedGen C2700553, MONDO:0011338, OMIM 603554.
Severe combined immunodeficiency, autosomal recessive, T cell-negative, B cell-negative, NK cell-positive. Also called: SCID, T CELL-NEGATIVE, B CELL-NEGATIVE, NK CELL-POSITIVE; Severe combined immunodeficiency due to complete RAG1/2 deficiency; SCID, AR, T-cell negative, B-cell negative, NK cell-positive. Identifiers: Orphanet 331206, MedGen C1832322, MONDO:0011086, OMIM 601457.
Combined immunodeficiency due to partial RAG1 deficiency. Identifiers: Orphanet 231154, MedGen C1835931, MONDO:0012359, OMIM 609889.
Combined immunodeficiency with skin granulomas. Identifiers: Orphanet 157949, MedGen C2673536, MONDO:0009306, OMIM 233650.
Severe combined immunodeficiency disease. Also called: Severe combined immunodeficiency; Severe Combined Immune Deficiency. Identifiers: Orphanet 183660, MedGen C0085110, MeSH D016511, MONDO:0015974, HP:0004430. Inheritance: X-Linked or Autosomal recessive.

Allele frequency attached by ClinVar (database versions not stated): gnomAD exomes 0.00001; ExAC 0.00002; TOPMed 0.00002; gnomAD 0.00003.
gnomAD v4.1: 18 of 1,614,128 alleles (0.0011%); highest among the groups gnomAD compares: African/African-American, 0.004%; no homozygotes.

Submissions (5):

Labcorp Genetics (formerly Invitae), Labcorp
Classification: Pathogenic for Combined immunodeficiency with skin granulomas; Severe combined immunodeficiency, autosomal recessive, T cell-negative, B cell-negative, NK cell-positive. Last evaluated: 2025-09-28. Review status: criteria provided, single submitter. Criteria: Invitae Variant Classification Sherloc (09022015). Collection method: clinical testing. Allele origin: germline.
Comment: This sequence change replaces arginine, which is basic and polar, with tryptophan, which is neutral and slightly polar, at codon 410 of the RAG1 protein (p.Arg410Trp). This variant is present in population databases (rs758288006, gnomAD 0.002%). This missense change has been observed in individuals with severe combined immunodeficiency, Omenn syndrome, and combined immunodeficiency (PMID: 24144642, 24290284, 24406074, 28769923). ClinVar contains an entry for this variant (Variation ID: 859249). Invitae Evidence Modeling of protein sequence and biophysical properties (such as structural, functional, and spatial information, amino acid conservation, physicochemical variation, residue mobility, and thermodynamic stability) has been performed for this missense variant. However, the output from this modeling did not meet the statistical confidence thresholds required to predict the impact of this variant on RAG1 protein function. Experimental studies have shown that this missense change affects RAG1 function (PMID: 24290284). This variant disrupts the p.Arg410 amino acid residue in RAG1. Other variant(s) that disrupt this residue have been determined to be pathogenic (PMID: 11133745, 11971977, 24290284, 24406074). This suggests that this residue is clinically significant, and that variants that disrupt this residue are likely to be disease-causing. For these reasons, this variant has been classified as Pathogenic.

Women's Health and Genetics/Laboratory Corporation of America, LabCorp
Classification: Pathogenic for Severe combined immunodeficiency disease. Last evaluated: 2025-06-20. Review status: criteria provided, single submitter. Criteria: LabCorp Variant Classification Summary - May 2015. Collection method: clinical testing. Allele origin: germline.
Comment: Variant summary: RAG1 c.1228C>T (p.Arg410Trp) results in a non-conservative amino acid change in the encoded protein sequence. Algorithms developed to predict the effect of missense changes on protein structure and function all suggest that this variant is likely to be disruptive. The variant allele was found at a frequency of 1.2e-05 in 250794 control chromosomes. c.1228C>T has been observed in homozygous or compound heterozygous individuals affected with Severe Combined Immunodeficiency/Omenn syndrome (e.g. Dobbs_2017, Lee_2014, Schuetz_2014). These data indicate that the variant is likely to be associated with disease. At least one publication reports experimental evidence evaluating an impact on protein function. The most pronounced variant effect results in absent VDJ recombination activity (e.g. Lee_2014). A different variant affecting the same codon (c.1229G>A, p.Arg410Gln) has been classified as Pathogenic/Likely pathogenic in ClinVar, suggesting a critical role of codon 410 in RAG1 protein function. The following publications have been ascertained in the context of this evaluation (PMID: 28769923, 24290284, 24144642). ClinVar contains an entry for this variant (Variation ID: 859249). Based on the evidence outlined above, the variant was classified as pathogenic.

Baylor Genetics
Classification: Pathogenic for Combined immunodeficiency due to partial RAG1 deficiency. Last evaluated: 2024-01-01. Review status: criteria provided, single submitter. Criteria: ACMG Guidelines, 2015. Collection method: clinical testing. Allele origin: unknown.

Johns Hopkins Genomics, Johns Hopkins University
Classification: Likely pathogenic for Histiocytic medullary reticulosis. Last evaluated: 2022-03-09. Review status: criteria provided, single submitter. Criteria: ACMG Guidelines, 2015. Collection method: clinical testing. Allele origin: germline.
Comment: This RAG1 variant (rs758288006) is rare (<0.1%) in a large population dataset (gnomAD: 3/250794 total alleles; 0.002%; no homozygotes) and has been reported in ClinVar. This variant has been observed in a compound heterozygous state in unrelated individuals with RAG1-related immune disorders. In addition, a different variant that disrupts this amino acid residue (p.Arg410Gln) has been reported in an individual with atypical SCID/Omenn syndrome. Three bioinformatic tools queried predict that this substitution would be damaging, and the arginine residue at this position is strongly conserved across all vertebrate species assessed. V(D)J recombination activity of RAG1 protein containing the p.Arg410Trp variant was significantly reduced in a heterologous cell-based assay. Bioinformatic analysis predicts that this variant would not affect normal exon 2 splicing, although this has not been confirmed experimentally to our knowledge. This variant alone is not predicted to cause disease. We consider this variant to be likely pathogenic.

Juno Genomics, Hangzhou Juno Genomics, Inc
Classification: Likely pathogenic for Combined immunodeficiency due to partial RAG1 deficiency; Combined immunodeficiency with skin granulomas; Histiocytic medullary reticulosis; Severe combined immunodeficiency, autosomal recessive, T cell-negative, B cell-negative, NK cell-positive. Review status: criteria provided, single submitter. Criteria: ACMG Guidelines, 2015. Collection method: clinical testing. Allele origin: germline.
Comment: Absent from controls (or at extremely low frequency if recessive) in Genome Aggregation Database.;Multiple lines of computational evidence support a deleterious effect on the gene or gene product.;For recessive disorders, detected in trans with a pathogenic variant.;Patient's phenotype or family history is highly specific for a disease with a single genetic etiology.;Novel missense change at an amino acid residue where a different missense change determined to be pathogenic has been seen before.

Literature cited by the submitters: PubMed 24144642 (cited by Labcorp Genetics (formerly Invitae), Labcorp and Women's Health and Genetics/Laboratory Corporation of America, LabCorp); PubMed 24290284 (cited by 3 submitters); PubMed 24406074 (cited by Labcorp Genetics (formerly Invitae), Labcorp and Johns Hopkins Genomics, Johns Hopkins University); PubMed 28769923 (cited by 3 submitters); PubMed 11133745 (cited by Labcorp Genetics (formerly Invitae), Labcorp and Johns Hopkins Genomics, Johns Hopkins University); PubMed 11971977 (cited by Labcorp Genetics (formerly Invitae), Labcorp); PubMed 30046960 (cited by Johns Hopkins Genomics, Johns Hopkins University).

NM_000448.3(RAG1):c.1228C>T (p.Arg410Trp)

Gene: RAG1 (recombination activating 1; plus strand). Cytogenetic location: 11p12.
Variant type: single nucleotide variant.
Coding change: c.1228C>T on transcript NM_000448.3 (MANE Select); coding-DNA position 1228, C replaced by T.
Protein change: p.Arg410Trp; replaces arginine 410 with tryptophan.
Molecular consequence: missense variant.
Genome position (GRCh38, 1-based): chr11:36,574,532, C>T. VCF-style: chr11-36574532-C-T. GRCh37 (hg19) VCF-style: chr11-36596082-C-T.
Other names: c.1228C>T, p.Arg410Trp (NM_001377277.1, NM_001377278.1, NM_001377279.1 and 1 more transcripts); short protein forms R410W.
Identifiers: ClinVar variation 859249 (VCV000859249.15), dbSNP rs758288006, ClinGen allele CA5950115.